The following is an entry in ClinVar:

NM_002226.5(JAG2):c.2718C>T (p.Cys906=)

Gene: JAG2 (jagged canonical Notch ligand 2; minus strand). Cytogenetic location: 14q32.33.
Variant type: single nucleotide variant.
Coding change: c.2718C>T on transcript NM_002226.5 (MANE Select); coding-DNA position 2718, C replaced by T.
Protein change: p.Cys906=; no amino-acid change (cysteine 906 retained).
Molecular consequence: synonymous variant.
Genome position (GRCh38, 1-based): chr14:105,145,965, G>A on the plus strand (C>T on the coding strand, the complement: JAG2 is on the minus strand). VCF-style: chr14-105145965-G-A. GRCh37 (hg19) VCF-style: chr14-105612302-G-A.
Other names: p.Cys906=; c.2604C>T, p.Cys868= (NM_145159.3).
Identifiers: ClinVar variation 4683947 (VCV004683947.1).

ClinVar aggregate classification (germline): Likely benign (1 of 4 stars; one submission).

gnomAD v4.1: 68 of 1,591,538 alleles (0.0043%); highest among the groups gnomAD compares: African/African-American, 0.048%; no homozygotes.

Submission:

Mayo Clinic Laboratories, Mayo Clinic
Classification: Likely benign. Last evaluated: 2025-10-19. Review status: criteria provided, single submitter. Criteria: ACMG Guidelines, 2015. Collection method: clinical testing. Allele origin: germline. Observed: 1 variant allele.
Comment: BP4, BP7